The following is an entry in ClinVar:

ClinVar aggregate classification (germline): Uncertain significance (1 of 4 stars; one submission).

Submission:

Labcorp Genetics (formerly Invitae), Labcorp
Classification: Uncertain significance. Last evaluated: 2024-06-24. Review status: criteria provided, single submitter. Criteria: Invitae Variant Classification Sherloc (09022015). Collection method: clinical testing. Allele origin: germline.
Comment: This sequence change replaces glutamic acid, which is acidic and polar, with aspartic acid, which is acidic and polar, at codon 411 of the GUF1 protein (p.Glu411Asp). This variant is present in population databases (rs753399714, gnomAD 0.0009%). This variant has not been reported in the literature in individuals affected with GUF1-related conditions. Advanced modeling of protein sequence and biophysical properties (such as structural, functional, and spatial information, amino acid conservation, physicochemical variation, residue mobility, and thermodynamic stability) performed at Invitae indicates that this missense variant is not expected to disrupt GUF1 protein function with a negative predictive value of 80%. In summary, the available evidence is currently insufficient to determine the role of this variant in disease. Therefore, it has been classified as a Variant of Uncertain Significance.

NM_021927.3(GUF1):c.1233A>C (p.Glu411Asp)

Gene: GUF1 (GTP binding elongation factor GUF1; plus strand). Cytogenetic location: 4p12.
Variant type: single nucleotide variant.
Coding change: c.1233A>C on transcript NM_021927.3 (MANE Select); coding-DNA position 1233, A replaced by C.
Protein change: p.Glu411Asp; replaces glutamic acid 411 with aspartic acid.
Molecular consequence: missense variant.
Genome position (GRCh38, 1-based): chr4:44,689,873, A>C. VCF-style: chr4-44689873-A-C. GRCh37 (hg19) VCF-style: chr4-44691890-A-C.
Other names: c.261A>C, p.Glu87Asp (NM_001345869.2, NM_001345867.2); c.1233A>C, p.Glu411Asp (NM_001345868.2); short protein forms E411D, E87D.
Identifiers: ClinVar variation 3630649 (VCV003630649.2).